The following is an entry in ClinVar:

NM_019032.6(ADAMTSL4):c.2055G>A (p.Trp685Ter)

Genes: ADAMTSL4 (ADAMTS like 4; plus strand), ADAMTSL4-AS2 (ADAMTSL4 antisense RNA 2; minus strand). Cytogenetic location: 1q21.2.
Variant type: single nucleotide variant.
Coding change: c.2055G>A on transcript NM_019032.6 (MANE Select); coding-DNA position 2055, G replaced by A.
Protein change: p.Trp685Ter; replaces tryptophan 685 with a stop codon.
Molecular consequence: nonsense.
Genome position (GRCh38, 1-based): chr1:150,557,501, G>A. VCF-style: chr1-150557501-G-A. GRCh37 (hg19) VCF-style: chr1-150529977-G-A.
Other names: c.1938G>A, p.Trp646Ter (NM_001288607.2); c.2124G>A, p.Trp708Ter (NM_001288608.2); c.2055G>A, p.Trp685Ter (NM_001378596.1, NM_025008.5); short protein forms W685*, W646*, W708*.
Identifiers: ClinVar variation 2725339 (VCV002725339.3), dbSNP rs2526736679, ClinGen allele CA342313971.

ClinVar aggregate classification (germline): Pathogenic (1 of 4 stars; one submission).

Submission:

Labcorp Genetics (formerly Invitae), Labcorp
Classification: Pathogenic. Last evaluated: 2024-08-05. Review status: criteria provided, single submitter. Criteria: Invitae Variant Classification Sherloc (09022015). Collection method: clinical testing. Allele origin: germline.
Comment: This sequence change creates a premature translational stop signal (p.Trp685*) in the ADAMTSL4 gene. It is expected to result in an absent or disrupted protein product. Loss-of-function variants in ADAMTSL4 are known to be pathogenic (PMID: 20564469, 28642162). This variant is not present in population databases (gnomAD no frequency). This variant has not been reported in the literature in individuals affected with ADAMTSL4-related conditions. Algorithms developed to predict the effect of sequence changes on RNA splicing suggest that this variant may disrupt the consensus splice site. For these reasons, this variant has been classified as Pathogenic.

Literature cited by the submitters: PubMed 20564469; PubMed 28642162.